The following is an entry in ClinVar:

ClinVar aggregate classification (germline): Likely pathogenic (1 of 4 stars; one submission).

Conditions:
Deficiency of UDPglucose-hexose-1-phosphate uridylyltransferase. Also called: GALACTOSE-1-PHOSPHATE URIDYLYLTRANSFERASE DEFICIENCY; GALACTOSEMIA I; GALT deficiency; Galactosemia, classic; Transferase Deficiency Galactosemia. Identifiers: Orphanet 352, Orphanet 79239, MedGen C0268151, MONDO:0009258, OMIM 230400.

Submission:

Labcorp Genetics (formerly Invitae), Labcorp
Classification: Likely pathogenic for Deficiency of UDPglucose-hexose-1-phosphate uridylyltransferase. Last evaluated: 2019-06-13. Review status: criteria provided, single submitter. Criteria: Invitae Variant Classification Sherloc (09022015). Collection method: clinical testing. Allele origin: unknown.
Comment: This variant has not been reported in the literature in individuals with GALT-related conditions. In summary, the currently available evidence indicates that the variant is pathogenic, but additional data are needed to prove that conclusively. Therefore, this variant has been classified as Likely Pathogenic. This variant disrupts the p.Thr350 amino acid residue in GALT. Other variant(s) that disrupt this residue have been determined to be pathogenic (PMID: 8741038, 11152465, Invitae). This suggests that this residue is clinically significant, and that variants that disrupt this residue are likely to be disease-causing. This variant is a deletion of the genomic region encompassing exon 10 and part of exons 9 and 11 (c.828_1127del) of the GALT gene. While this is not anticipated to result in nonsense mediated decay, it likely alters RNA splicing and results in a disrupted protein product.

Literature cited by the submitters: PubMed 8741038; PubMed 11152465.

NC_000009.11:g.(?_34649002)_(34650433_?)del

Gene: GALT (galactose-1-phosphate uridylyltransferase; plus strand). Cytogenetic location: 9p13.3.
Variant type: Deletion.
Identifiers: ClinVar variation 3245107 (VCV003245107.1).